The following is an entry in ClinVar:

ClinVar aggregate classification (germline): Benign. Review status: criteria provided, multiple submitters, no conflicts (2 of 4 stars). 3 submissions from 3 submitters: Benign (3). Last evaluated 2023-11-12.

Conditions:
Autosomal recessive mendelian susceptibility to mycobacterial diseases due to complete RORgamma receptor deficiency. Also called: Immunodeficiency 42. Identifiers: Orphanet 477857, MedGen C5567647, MONDO:0014710, OMIM 616622.

Allele frequency attached by ClinVar (database versions not stated): 1000 Genomes Project 30x 0.39069; 1000 Genomes Project 0.39816; TOPMed 0.41620; gnomAD 0.43394 and 0.43552; ESP Exome Variant Server 0.44395; gnomAD exomes 0.45279 and 0.49752; ExAC 0.45305.

Submissions (3):

Unidad de Genómica Garrahan, Hospital de Pediatría Garrahan
Classification: Benign. Last evaluated: 2023-11-12. Review status: criteria provided, single submitter. Criteria: ACMG Guidelines, 2015. Collection method: clinical testing. Allele origin: germline. Affected: no. Observed: 42 variant alleles.
Comment: This variant is classified as Benign based on local population frequency. This variant was detected in 44% of patients studied by a panel of primary immunodeficiencies. Number of patients: 42. Only high quality variants are reported.

Genome-Nilou Lab
Classification: Benign for Autosomal recessive mendelian susceptibility to mycobacterial diseases due to complete RORgamma receptor deficiency. Last evaluated: 2021-11-07. Review status: criteria provided, single submitter. Criteria: ACMG Guidelines, 2015. Collection method: clinical testing. Allele origin: germline. Affected: no.

Breakthrough Genomics
Classification: Benign. Review status: criteria provided, single submitter. Criteria: ACMG Guidelines, 2015. Collection method: not provided. Allele origin: germline. Inheritance: Autosomal recessive inheritance. Affected: yes.

NM_005060.4(RORC):c.156+24A>C

Gene: RORC (RAR related orphan receptor C; minus strand). Cytogenetic location: 1q21.3.
Variant type: single nucleotide variant.
Coding change: c.156+24A>C on transcript NM_005060.4 (MANE Select); 24 bases into the intron after coding-DNA position 156, A replaced by C.
Molecular consequence: intron variant.
Genome position (GRCh38, 1-based): chr1:151,817,171, T>G on the plus strand (A>C on the coding strand, the complement: RORC is on the minus strand). VCF-style: chr1-151817171-T-G. GRCh37 (hg19) VCF-style: chr1-151789647-T-G.
Other names: c.93+24A>C (NM_001001523.2).
Identifiers: ClinVar variation 1327967 (VCV001327967.5), dbSNP rs12144914, ClinGen allele CA1095987.